The following is an entry in ClinVar:

NM_000492.4(CFTR):c.3302T>G (p.Met1101Arg)

Genes: CFTR (CF transmembrane conductance regulator; plus strand), CFTR-AS2 (CFTR antisense RNA 2; minus strand), LOC111674472 (DNase I hypersensitive sites in introns 16 and 17a of CFTR; plus strand). Cytogenetic location: 7q31.2.
Variant type: single nucleotide variant.
Coding change: c.3302T>G on transcript NM_000492.4 (MANE Select); coding-DNA position 3302, T replaced by G.
Protein change: p.Met1101Arg; replaces methionine 1101 with arginine.
Molecular consequence: missense variant.
Genome position (GRCh38, 1-based): chr7:117,611,743, T>G. VCF-style: chr7-117611743-T-G. GRCh37 (hg19) VCF-style: chr7-117251797-T-G.
Other names: short protein forms M1101R.
Identifiers: ClinVar variation 53712 (VCV000053712.19), dbSNP rs36210737, ClinGen allele CA327137.

ClinVar aggregate classification (germline): Pathogenic. Review status: reviewed by expert panel (3 of 4 stars). 6 submissions from 6 submitters: Pathogenic (1). 5 of the submissions do not count toward it. Last evaluated 2019-03-11.

Conditions:
Cystic fibrosis (CF). Also called: MUCOVISCIDOSIS. Identifiers: Orphanet 586, MedGen C0010674, MONDO:0009061, OMIM 219700. Disease mechanism: loss of function.
Bronchiectasis with or without elevated sweat chloride 1 (BESC1). Also called: Cystic Fibrosis-Like Syndrome. Identifiers: Orphanet 60033, MedGen C2749757, MONDO:0008887, OMIM 211400.

Submissions (6):

CFTR2
Classification: Pathogenic for Cystic fibrosis. Last evaluated: 2019-03-11. Review status: reviewed by expert panel. Criteria: Sosnay PR et al. (Nat Genet 2013). Collection method: research. Allele origin: germline. Affected: yes.

Women's Health and Genetics/Laboratory Corporation of America, LabCorp
Classification: Pathogenic for Cystic fibrosis. Last evaluated: 2025-07-17. Review status: criteria provided, single submitter. Criteria: LabCorp Variant Classification Summary - May 2015. Collection method: clinical testing. Allele origin: germline. Not counted in ClinVar's aggregate classification.
Comment: Variant summary: CFTR c.3302T>G (p.Met1101Arg) results in a non-conservative amino acid change in the encoded protein sequence. Algorithms developed to predict the effect of missense changes on protein structure and function are either unavailable or do not agree on the potential impact of this missense change. The variant was absent in 251100 control chromosomes. c.3302T>G has been observed as heterozygous or compound heterozygous genotype in individuals affected with pancreatic insufficiency or Cystic Fibrosis (Mercier_1993, Kenkov_2013, Soltysova_2018). A different variant affecting the same codon has been classified as likely pathogenic/pathogenic by our lab (c.3302T>A, p.Met1101Lys), supporting the critical relevance of codon 1101 to CFTR protein function. Two publications report experimental evidence evaluating an impact on protein function (Bihler_2024, Seibert_1996). The most pronounced variant effect results in residual protein activity. The following publications have been ascertained in the context of this evaluation (PMID: 38388235, 23276700, 7683628, 8662892, 28544683). ClinVar contains an entry for this variant (Variation ID: 53712). Based on the evidence outlined above, the variant was classified as pathogenic.

Labcorp Genetics (formerly Invitae), Labcorp
Classification: Pathogenic for Cystic fibrosis. Last evaluated: 2024-02-23. Review status: criteria provided, single submitter. Criteria: Invitae Variant Classification Sherloc (09022015). Collection method: clinical testing. Allele origin: germline. Not counted in ClinVar's aggregate classification.
Comment: This sequence change replaces methionine, which is neutral and non-polar, with arginine, which is basic and polar, at codon 1101 of the CFTR protein (p.Met1101Arg). This variant is not present in population databases (gnomAD no frequency). This missense change has been observed in individual(s) with cystic fibrosis (PMID: 7683628, 23276700, 28544683). ClinVar contains an entry for this variant (Variation ID: 53712). Advanced modeling of protein sequence and biophysical properties (such as structural, functional, and spatial information, amino acid conservation, physicochemical variation, residue mobility, and thermodynamic stability) performed at Invitae indicates that this missense variant is expected to disrupt CFTR protein function with a positive predictive value of 80%. Experimental studies have shown that this missense change affects CFTR function (PMID: 8662892). This variant disrupts the p.Met1101 amino acid residue in CFTR. Other variant(s) that disrupt this residue have been determined to be pathogenic (PMID: 7680525, 17901983, 22981120). This suggests that this residue is clinically significant, and that variants that disrupt this residue are likely to be disease-causing. For these reasons, this variant has been classified as Pathogenic.

Laboratory of Medical Genetics, National & Kapodistrian University of Athens
Classification: Likely pathogenic for Cystic fibrosis. Last evaluated: 2024-02-01. Review status: criteria provided, single submitter. Criteria: ACMG Guidelines, 2015. Collection method: curation. Allele origin: germline. Affected: no. Not counted in ClinVar's aggregate classification.

Baylor Genetics
Classification: Likely pathogenic for Bronchiectasis with or without elevated sweat chloride 1. Last evaluated: 2023-11-15. Review status: criteria provided, single submitter. Criteria: ACMG Guidelines, 2015. Collection method: clinical testing. Allele origin: unknown. Not counted in ClinVar's aggregate classification.

ARUP Laboratories, Molecular Genetics and Genomics, ARUP Laboratories
Classification: Pathogenic. Last evaluated: 2016-11-09. Review status: criteria provided, single submitter. Criteria: ARUP Molecular Germline Variant Investigation Process. Collection method: clinical testing. Allele origin: germline. Not counted in ClinVar's aggregate classification.

Literature cited by the submitters: PubMed 8662892 (cited by Women's Health and Genetics/Laboratory Corporation of America, LabCorp and Labcorp Genetics (formerly Invitae), Labcorp); PubMed 7683628 (cited by Women's Health and Genetics/Laboratory Corporation of America, LabCorp and Labcorp Genetics (formerly Invitae), Labcorp); PubMed 23276700 (cited by Women's Health and Genetics/Laboratory Corporation of America, LabCorp and Labcorp Genetics (formerly Invitae), Labcorp); PubMed 28544683 (cited by Women's Health and Genetics/Laboratory Corporation of America, LabCorp and Labcorp Genetics (formerly Invitae), Labcorp); PubMed 38388235 (cited by Women's Health and Genetics/Laboratory Corporation of America, LabCorp); PubMed 7680525 (cited by Labcorp Genetics (formerly Invitae), Labcorp); PubMed 17901983 (cited by Labcorp Genetics (formerly Invitae), Labcorp); PubMed 22981120 (cited by Labcorp Genetics (formerly Invitae), Labcorp).